The following is an entry in ClinVar:

ClinVar aggregate classification (germline): Pathogenic. Review status: reviewed by expert panel (3 of 4 stars). 2 submissions from 2 submitters: Pathogenic (1). 1 of the submissions does not count toward it. Last evaluated 2016-09-08.

Conditions:
Breast-ovarian cancer, familial, susceptibility to, 2 (BROVCA2). Also called: BRCA2 Hereditary Breast and Ovarian Cancer. Identifiers: Orphanet 145, MedGen C2675520, MONDO:0012933, OMIM 612555. Disease mechanism: loss of function.

Submissions (2):

Evidence-based Network for the Interpretation of Germline Mutant Alleles (ENIGMA)
Classification: Pathogenic for Breast-ovarian cancer, familial, susceptibility to, 2. Last evaluated: 2016-09-08. Review status: reviewed by expert panel. Criteria: ENIGMA BRCA1/2 Classification Criteria (2015). Collection method: curation. Allele origin: germline.
Comment: Variant allele predicted to encode a truncated non-functional protein.

Breast Cancer Information Core (BIC) (BRCA2)
Classification: Pathogenic for Breast-ovarian cancer, familial 2. Review status: no assertion criteria provided. Collection method: clinical testing. Allele origin: germline. Affected: yes. Observed: 1 variant allele. Not counted in ClinVar's aggregate classification.

NM_000059.4(BRCA2):c.8789del (p.Asn2930fs)

Gene: BRCA2 (BRCA2 DNA repair associated; plus strand). Cytogenetic location: 13q13.1.
Variant type: Deletion.
Coding change: c.8789del on transcript NM_000059.4 (MANE Select); coding-DNA position 8789, one base deleted (A; older notation c.8789delA).
Protein change: p.Asn2930fs; shifts the reading frame from asparagine 2930.
Molecular consequence: frameshift variant.
Genome position (GRCh38, 1-based): chr13:32,379,351, A deleted; the last of 2 consecutive A bases (chr13:32,379,350-32,379,351); deleting either gives the same sequence. VCF-style (leftmost placement, unchanged base first): chr13-32379349-GA-G. GRCh37 (hg19) VCF-style: chr13-32953486-GA-G.
Other names: 9017delA; c.8789delA (NM_000059.3); short protein forms N2930fs.
Identifiers: ClinVar variation 52680 (VCV000052680.4), dbSNP rs80359729, ClinGen allele CA025827.